The following is an entry in ClinVar:

NM_001278716.2(FBXL4):c.1594C>G (p.Leu532Val)

Gene: FBXL4 (F-box and leucine rich repeat protein 4; minus strand). Cytogenetic location: 6q16.1.
Variant type: single nucleotide variant.
Coding change: c.1594C>G on transcript NM_001278716.2 (MANE Select); coding-DNA position 1594, C replaced by G.
Protein change: p.Leu532Val; replaces leucine 532 with valine.
Molecular consequence: missense variant. On other transcripts: non-coding transcript variant (1).
Genome position (GRCh38, 1-based): chr6:98,875,523, G>C on the plus strand (C>G on the coding strand, the complement: FBXL4 is on the minus strand). VCF-style: chr6-98875523-G-C. GRCh37 (hg19) VCF-style: chr6-99323399-G-C.
Other names: p.Leu532Val; c.1594C>G (NM_012160.3); c.1594C>G, p.Leu532Val (NM_012160.5); short protein forms L532V.
Identifiers: ClinVar variation 437777 (VCV000437777.9), dbSNP rs150523994, ClinGen allele CA3933416.
Genomic context (GRCh38, chr6:98,875,523, plus strand): 5'-CAATGTCTGTGTCACACACAGATCTATTAGCTGTAAGAAAGAGTTTTTGCAAGTTTGGGA[G>C]CTGGTGTGCCAGTCTGGTGAAGCACCCGGTGCTGCTCTGCAGAGTTGGGCACCAGCCAAG-3'
Protein context (NP_001265645.1, residues 522-542): TGCFTRLAHQ[Leu532Val]PNLQKLFLTA

ClinVar aggregate classification (germline): Uncertain significance. Review status: criteria provided, multiple submitters, no conflicts (2 of 4 stars). 4 submissions from 4 submitters: Uncertain significance (4). Last evaluated 2025-06-25.

Conditions:
Mitochondrial DNA depletion syndrome 13. Also called: FBXL4-Related Encephalomyopathic Mitochondrial DNA Depletion Syndrome; Mitochondrial DNA depletion syndrome 13 (encephalomyopathic type). Identifiers: Orphanet 369897, MedGen C3809592, MONDO:0014198, OMIM 615471.

Allele frequency attached by ClinVar (database versions not stated): TOPMed 0.00024; gnomAD exomes 0.00003; ExAC 0.00005; gnomAD 0.00017 and 0.00019; ESP Exome Variant Server 0.00023.
gnomAD v4.1: 44 of 1,614,042 alleles (0.0027%); highest among the groups gnomAD compares: African/African-American, 0.047%; no homozygotes.

Submissions (4):

GeneDx
Classification: Uncertain significance. Last evaluated: 2025-06-25. Review status: criteria provided, single submitter. Criteria: GeneDx Variant Classification Process June 2021. Collection method: clinical testing. Allele origin: germline. Affected: yes.
Comment: Has not been previously published as pathogenic or benign to our knowledge; In silico analysis suggests that this missense variant does not alter protein structure/function

Mayo Clinic Laboratories, Mayo Clinic
Classification: Uncertain significance. Last evaluated: 2025-06-12. Review status: criteria provided, single submitter. Criteria: ACMG Guidelines, 2015. Collection method: clinical testing. Allele origin: germline. Observed: 1 variant allele.

Labcorp Genetics (formerly Invitae), Labcorp
Classification: Uncertain significance. Last evaluated: 2024-10-29. Review status: criteria provided, single submitter. Criteria: Invitae Variant Classification Sherloc (09022015). Collection method: clinical testing. Allele origin: germline.
Comment: This sequence change replaces leucine, which is neutral and non-polar, with valine, which is neutral and non-polar, at codon 532 of the FBXL4 protein (p.Leu532Val). This variant is present in population databases (rs150523994, gnomAD 0.05%). This variant has not been reported in the literature in individuals affected with FBXL4-related conditions. ClinVar contains an entry for this variant (Variation ID: 437777). Invitae Evidence Modeling of protein sequence and biophysical properties (such as structural, functional, and spatial information, amino acid conservation, physicochemical variation, residue mobility, and thermodynamic stability) indicates that this missense variant is expected to disrupt FBXL4 protein function with a positive predictive value of 95%. In summary, the available evidence is currently insufficient to determine the role of this variant in disease. Therefore, it has been classified as a Variant of Uncertain Significance.

Wong Mito Lab, Molecular and Human Genetics, Baylor College of Medicine
Classification: Uncertain significance for Mitochondrial DNA depletion syndrome 13. Last evaluated: 2017-08-10. Review status: criteria provided, single submitter. Criteria: ACMG Guidelines, 2015. Collection method: reference population. Allele origin: germline.
Comment: The NM_012160.4:c.1594C>G (NP_036292.2:p.Leu532Val) [GRCH38: NC_000006.12:g.98875523G>C] variant in FBXL4 gene is interpretated to be a Uncertain Significance - Insufficient Evidence based on ACMG guidelines (PMID: 25741868). This variant meets one or more of the following evidence codes reported in the ACMG-guideline. PM2:This variant is absent in key population databases. Based on this evidence code ClinGen Pathogenicity Calculator (PMID:28081714) suggested that the variant is Uncertain Significance - Insufficient Evidence.